The following is an entry in ClinVar:

NM_138387.4(G6PC3):c.*151G>C

Gene: G6PC3 (glucose-6-phosphatase catalytic subunit 3; plus strand). Cytogenetic location: 17q21.31.
Variant type: single nucleotide variant.
Coding change: c.*151G>C on transcript NM_138387.4 (MANE Select); 151 bases downstream of the stop codon, G replaced by C.
Molecular consequence: 3 prime UTR variant.
Genome position (GRCh38, 1-based): chr17:44,076,194, G>C. VCF-style: chr17-44076194-G-C. GRCh37 (hg19) VCF-style: chr17-42153562-G-C.
Other names: c.*485G>C (NM_001319945.2); c.*151G>C (NM_001384165.1, NM_001384166.1, NM_001384167.1 and 1 more transcripts).
Identifiers: ClinVar variation 323472 (VCV000323472.8), dbSNP rs1046770, ClinGen allele CA8596236.

ClinVar aggregate classification (germline): Benign. Review status: criteria provided, multiple submitters, no conflicts (2 of 4 stars). 3 submissions from 3 submitters: Benign (3). Last evaluated 2018-07-27.

Conditions:
Autosomal recessive severe congenital neutropenia due to G6PC3 deficiency. Also called: NEUTROPENIA, SEVERE CONGENITAL, 4, AUTOSOMAL RECESSIVE; G6PC3 Deficiency. Identifiers: Orphanet 331176, MedGen C2751630, MONDO:0012930, OMIM 612541.

Allele frequency attached by ClinVar (database versions not stated): 1000 Genomes Project 0.10024; 1000 Genomes Project 30x 0.10103; TOPMed 0.12968.
gnomAD v4.1: 189,106 of 1,065,316 alleles (18%); highest among the groups gnomAD compares: Non-Finnish European, 20%; 18,430 homozygotes.

Submissions (3):

GeneDx
Classification: Benign. Last evaluated: 2018-07-27. Review status: criteria provided, single submitter. Criteria: GeneDx Variant Classification Process June 2021. Collection method: clinical testing. Allele origin: germline. Affected: yes.

Illumina Laboratory Services, Illumina
Classification: Benign for Autosomal recessive severe congenital neutropenia due to G6PC3 deficiency. Last evaluated: 2018-01-12. Review status: criteria provided, single submitter. Criteria: ICSL Variant Classification Criteria 13 December 2019. Collection method: clinical testing. Allele origin: germline.
Comment: This variant was observed in the ICSL laboratory as part of a predisposition screen in an ostensibly healthy population. It had not been previously curated by ICSL or reported in the Human Gene Mutation Database (HGMD: prior to June 1st, 2018), and was therefore a candidate for classification through an automated scoring system. Utilizing variant allele frequency, disease prevalence and penetrance estimates, and inheritance mode, an automated score was calculated to assess if this variant is too frequent to cause the disease. Based on the score and internal cut-off values, a variant classified as benign is not then subjected to further curation. The score for this variant resulted in a classification of benign for this disease.

Breakthrough Genomics
Classification: Benign. Review status: criteria provided, single submitter. Criteria: ACMG Guidelines, 2015. Collection method: not provided. Allele origin: germline. Inheritance: Autosomal recessive inheritance. Affected: yes.